The following is an entry in ClinVar:

ClinVar aggregate classification (germline): Likely benign (1 of 4 stars; one submission).

Submission:

GeneDx
Classification: Likely benign. Last evaluated: 2016-02-25. Review status: criteria provided, single submitter. Criteria: GeneDx Variant Classification (06012015). Collection method: clinical testing. Allele origin: germline. Affected: yes.
Comment: This variant is considered likely benign or benign based on one or more of the following criteria: it is a conservative change, it occurs at a poorly conserved position in the protein, it is predicted to be benign by multiple in silico algorithms, and/or has population frequency not consistent with disease.

NM_007254.4(PNKP):c.-26G>T

Gene: PNKP (polynucleotide kinase 3'-phosphatase; minus strand). Cytogenetic location: 19q13.33.
Variant type: single nucleotide variant.
Coding change: c.-26G>T on transcript NM_007254.4 (MANE Select); 26 bases upstream of the start codon, G replaced by T.
Molecular consequence: 5 prime UTR variant.
Genome position (GRCh38, 1-based): chr19:49,867,481, C>A on the plus strand (G>T on the coding strand, the complement: PNKP is on the minus strand). VCF-style: chr19-49867481-C-A. GRCh37 (hg19) VCF-style: chr19-50370738-C-A.
Identifiers: ClinVar variation 383818 (VCV000383818.1), dbSNP rs1057521745, ClinGen allele CA16607890.
Genomic context (GRCh38, chr19:49,867,481, plus strand): 5'-GTACAGGCAGAGAGCCTCGCACATGCCTCCGCCCCGCCCCGTACTCACCCGGGACCGCGG[C>A]TTGGGCTCACGGCCACTTCCGACCAGGGAGGTCCTGCCCGAGGTGCCCCGCCTGCAACCC-3'